The following is an entry in ClinVar:

ClinVar aggregate classification (germline): Benign/Likely benign. Review status: criteria provided, multiple submitters, no conflicts (2 of 4 stars). 7 submissions from 7 submitters: Benign (4); Likely benign (1). 2 of the submissions do not count toward it. Last evaluated 2026-02-04.

Conditions:
Saldino-Mainzer syndrome (SRTD9). Also called: Renal dysplasia, retinal pigmentary dystrophy, cerebellar ataxia and skeletal dysplasia; SHORT-RIB THORACIC DYSPLASIA 9 WITHOUT POLYDACTYLY; short-rib thoracic dysplasia 9 with or without polydactyly; CONORENAL SYNDROME. Identifiers: Orphanet 140969, MedGen C1849437, MONDO:0009964, OMIM 266920.

Allele frequency attached by ClinVar (database versions not stated): gnomAD exomes 0.00403; 1000 Genomes Project 0.00479; ExAC 0.00497; gnomAD 0.00536 and 0.00542; 1000 Genomes Project 30x 0.00547; TOPMed 0.00550; ESP Exome Variant Server 0.00600.
gnomAD v4.1: 6,831 of 1,522,378 alleles (0.45%); highest among the groups gnomAD compares: South Asian, 1%; 30 homozygotes.

Submissions (7):

Labcorp Genetics (formerly Invitae), Labcorp
Classification: Benign for Saldino-Mainzer syndrome. Last evaluated: 2026-02-04. Review status: criteria provided, single submitter. Criteria: Invitae Variant Classification Sherloc (09022015). Collection method: clinical testing. Allele origin: germline.

Blueprint Genetics
Classification: Likely benign. Last evaluated: 2024-11-21. Review status: criteria provided, single submitter. Criteria: ACMG Guidelines, 2015. Collection method: clinical testing. Allele origin: germline.

Mayo Clinic Laboratories, Mayo Clinic
Classification: Benign. Last evaluated: 2023-06-02. Review status: criteria provided, single submitter. Criteria: ACMG Guidelines, 2015. Collection method: clinical testing. Allele origin: germline. Observed: 2 variant alleles.
Comment: BS1, BS2, BP4, BP7

Illumina Laboratory Services, Illumina
Classification: Benign for Saldino-Mainzer syndrome. Last evaluated: 2018-01-13. Review status: criteria provided, single submitter. Criteria: ICSL Variant Classification Criteria 13 December 2019. Collection method: clinical testing. Allele origin: germline.
Comment: This variant was observed in the ICSL laboratory as part of a predisposition screen in an ostensibly healthy population. It had not been previously curated by ICSL or reported in the Human Gene Mutation Database (HGMD: prior to June 1st, 2018), and was therefore a candidate for classification through an automated scoring system. Utilizing variant allele frequency, disease prevalence and penetrance estimates, and inheritance mode, an automated score was calculated to assess if this variant is too frequent to cause the disease. Based on the score and internal cut-off values, a variant classified as benign is not then subjected to further curation. The score for this variant resulted in a classification of benign for this disease.

Eurofins Ntd Llc (ga)
Classification: Benign. Last evaluated: 2014-12-09. Review status: criteria provided, single submitter. Criteria: EGL Classification Definitions 2015. Collection method: clinical testing. Allele origin: germline. Observed: 1 variant allele, 1 heterozygote.

Clinical Genetics DNA and cytogenetics Diagnostics Lab, Erasmus MC, Erasmus Medical Center
Classification: Likely benign. Review status: no assertion criteria provided. Collection method: clinical testing. Allele origin: germline. Affected: yes. Study: VKGL Data-share Consensus. Not counted in ClinVar's aggregate classification.

Clinical Genetics, Academic Medical Center
Classification: Benign. Review status: no assertion criteria provided. Collection method: clinical testing. Allele origin: germline. Affected: yes. Study: VKGL Data-share Consensus. Not counted in ClinVar's aggregate classification.

NM_014714.4(IFT140):c.4040+10C>T

Gene: IFT140 (intraflagellar transport 140; minus strand). Cytogenetic location: 16p13.3.
Variant type: single nucleotide variant.
Coding change: c.4040+10C>T on transcript NM_014714.4 (MANE Select); 10 bases into the intron after coding-DNA position 4040, C replaced by T.
Molecular consequence: intron variant.
Genome position (GRCh38, 1-based): chr16:1,519,871, G>A on the plus strand (C>T on the coding strand, the complement: IFT140 is on the minus strand). VCF-style: chr16-1519871-G-A. GRCh37 (hg19) VCF-style: chr16-1569872-G-A.
Other names: p.?.
Identifiers: ClinVar variation 196178 (VCV000196178.24), dbSNP rs138364426, ClinGen allele CA202181.
Genomic context (GRCh38, chr16:1,519,871, plus strand): 5'-TTCTCGTGGTCAGCCCCGGCCCTGTAGTCACATCTGCCCTGGCCTGTCCCCGCTGGCCCC[G>A]GGGGCACACCTGCGGGCCTGGATGAACCTCTTCACCAGTGCCATCCTGCTCTGCAGCTGC-3'